The following is an entry in ClinVar:

ClinVar aggregate classification (germline): Uncertain significance (1 of 4 stars; one submission).

Conditions:
Ullrich congenital muscular dystrophy 2 (UCMD2). Identifiers: Orphanet 75840, MedGen C4225314, MONDO:0014654, OMIM 616470.
Bethlem myopathy 2 (BTHLM2). Identifiers: Orphanet 536516, Orphanet 610, MedGen C4225313, MONDO:0034022, OMIM 616471.

Allele frequency attached by ClinVar (database versions not stated): gnomAD exomes below 0.00001.
gnomAD v4.1: 1 of 1,610,104 alleles (0.000062%); highest among the groups gnomAD compares: South Asian, 0.0011%; no homozygotes.

Submission:

Labcorp Genetics (formerly Invitae), Labcorp
Classification: Uncertain significance for Bethlem myopathy 2; Ullrich congenital muscular dystrophy 2. Last evaluated: 2024-10-12. Review status: criteria provided, single submitter. Criteria: Invitae Variant Classification Sherloc (09022015). Collection method: clinical testing. Allele origin: germline.
Comment: This sequence change replaces tyrosine, which is neutral and polar, with cysteine, which is neutral and slightly polar, at codon 2150 of the COL12A1 protein (p.Tyr2150Cys). This variant is present in population databases (no rsID available, gnomAD 0.003%). This variant has not been reported in the literature in individuals affected with COL12A1-related conditions. ClinVar contains an entry for this variant (Variation ID: 1009621). Invitae Evidence Modeling of protein sequence and biophysical properties (such as structural, functional, and spatial information, amino acid conservation, physicochemical variation, residue mobility, and thermodynamic stability) has been performed for this missense variant. However, the output from this modeling did not meet the statistical confidence thresholds required to predict the impact of this variant on COL12A1 protein function. Algorithms developed to predict the effect of sequence changes on RNA splicing suggest that this variant may create or strengthen a splice site. In summary, the available evidence is currently insufficient to determine the role of this variant in disease. Therefore, it has been classified as a Variant of Uncertain Significance.

NM_004370.6(COL12A1):c.6449A>G (p.Tyr2150Cys)

Gene: COL12A1 (collagen type XII alpha 1 chain; minus strand). Cytogenetic location: 6q13.
Variant type: single nucleotide variant.
Coding change: c.6449A>G on transcript NM_004370.6 (MANE Select); coding-DNA position 6449, A replaced by G.
Protein change: p.Tyr2150Cys; replaces tyrosine 2150 with cysteine.
Molecular consequence: missense variant.
Genome position (GRCh38, 1-based): chr6:75,126,362, T>C on the plus strand (A>G on the coding strand, the complement: COL12A1 is on the minus strand). VCF-style: chr6-75126362-T-C. GRCh37 (hg19) VCF-style: chr6-75836078-T-C.
Other names: c.2957A>G, p.Tyr986Cys (NM_080645.3); short protein forms Y2150C, Y986C.
Identifiers: ClinVar variation 1009621 (VCV001009621.10), dbSNP rs1469571574, ClinGen allele CA364729993.